The following is an entry in ClinVar:

ClinVar aggregate classification (germline): Uncertain significance (1 of 4 stars; one submission).

Submission:

GeneDx
Classification: Uncertain significance. Last evaluated: 2025-06-03. Review status: criteria provided, single submitter. Criteria: GeneDx Variant Classification Process June 2021. Collection method: clinical testing. Allele origin: germline. Affected: yes.
Comment: Not observed at significant frequency in large population cohorts (gnomAD); In silico analysis supports that this missense variant has a deleterious effect on protein structure/function; Has not been previously published as pathogenic or benign to our knowledge.

NM_000334.4(SCN4A):c.778T>C (p.Cys260Arg)

Gene: SCN4A (sodium voltage-gated channel alpha subunit 4; minus strand). Cytogenetic location: 17q23.3.
Variant type: single nucleotide variant.
Coding change: c.778T>C on transcript NM_000334.4 (MANE Select); coding-DNA position 778, T replaced by C.
Protein change: p.Cys260Arg; replaces cysteine 260 with arginine.
Molecular consequence: missense variant.
Genome position (GRCh38, 1-based): chr17:63,968,281, A>G on the plus strand (T>C on the coding strand, the complement: SCN4A is on the minus strand). VCF-style: chr17-63968281-A-G. GRCh37 (hg19) VCF-style: chr17-62045641-A-G.
Other names: short protein forms C260R.
Identifiers: ClinVar variation 4536410 (VCV004536410.1).